The following is an entry in ClinVar:

NM_001008537.3(NEXMIF):c.4458G>A (p.Arg1486=)

Gene: NEXMIF (neurite extension and migration factor; minus strand). Cytogenetic location: Xq13.3.
Variant type: single nucleotide variant.
Coding change: c.4458G>A on transcript NM_001008537.3 (MANE Select); coding-DNA position 4458, G replaced by A.
Protein change: p.Arg1486=; no amino-acid change (arginine 1486 retained).
Molecular consequence: synonymous variant.
Genome position (GRCh38, 1-based): chrX:74,739,498, C>T on the plus strand (G>A on the coding strand, the complement: NEXMIF is on the minus strand). VCF-style: chrX-74739498-C-T. GRCh37 (hg19) VCF-style: chrX-73959333-C-T.
Identifiers: ClinVar variation 1304356 (VCV001304356.2), dbSNP rs912315192, ClinGen allele CA331301644.

ClinVar aggregate classification (germline): Uncertain significance (1 of 4 stars; one submission).

Submission:

GeneDx
Classification: Uncertain significance. Last evaluated: 2021-03-23. Review status: criteria provided, single submitter. Criteria: GeneDx Variant Classification Process June 2021. Collection method: clinical testing. Allele origin: germline. Affected: yes.
Comment: Not observed in large population cohorts (Lek et al., 2016); Has not been previously published as pathogenic or benign to our knowledge; In-silico analysis, which includes splice predictors and evolutionary conservation, is inconclusive as to whether the variant alters gene splicing. In the absence of RNA/functional studies, the actual effect of this sequence change is unknown.